The following is an entry in ClinVar:

NM_004380.3(CREBBP):c.6416T>G (p.Leu2139Arg)

Gene: CREBBP (CREB binding lysine acetyltransferase; minus strand). Cytogenetic location: 16p13.3.
Variant type: single nucleotide variant.
Coding change: c.6416T>G on transcript NM_004380.3 (MANE Select); coding-DNA position 6416, T replaced by G.
Protein change: p.Leu2139Arg; replaces leucine 2139 with arginine.
Molecular consequence: missense variant.
Genome position (GRCh38, 1-based): chr16:3,728,631, A>C on the plus strand (T>G on the coding strand, the complement: CREBBP is on the minus strand). VCF-style: chr16-3728631-A-C. GRCh37 (hg19) VCF-style: chr16-3778632-A-C.
Other names: c.6302T>G, p.Leu2101Arg (NM_001079846.1); short protein forms L2139R, L2101R.
Identifiers: ClinVar variation 4985685 (VCV004985685.1).
Genomic context (GRCh38, chr16:3,728,631, plus strand): 5'-TGCTGCTGTGGAGGCACACCGGGCCGCGGCACGCCAGCCTGCATGGCATTCAGGTTCTGC[A>C]GGCTGGGCTGCTGGTGCATGCCAGGCTGGGGTTGCATGCCGGGCTGGGACTGGAGGCCAG-3'
Protein context (NP_004371.2, residues 2129-2149): PQPGMHQQPS[Leu2139Arg]QNLNAMQAGV

ClinVar aggregate classification (germline): Uncertain significance (1 of 4 stars; one submission).

Conditions:
CREBBP-related disorder. Also called: CREBBP-related disorders; CREBBP-related condition.

Submission:

PreventionGenetics, part of Exact Sciences
Classification: Uncertain significance for CREBBP-related condition. Last evaluated: 2026-03-13. Review status: criteria provided, single submitter. Criteria: ACMG Guidelines, 2015. Collection method: clinical testing. Allele origin: germline.
Comment: The CREBBP c.6416T>G variant is predicted to result in the amino acid substitution p.Leu2139Arg. To our knowledge, this variant has not been reported in the literature or in a large population database (gnomAD), indicating this variant is rare. At this time, the clinical significance of this variant is uncertain due to the absence of conclusive functional and genetic evidence.